The following is an entry in ClinVar:

NM_014339.7(IL17RA):c.706A>T (p.Ser236Cys)

Gene: IL17RA (interleukin 17 receptor A; plus strand). Cytogenetic location: 22q11.1.
Variant type: single nucleotide variant.
Coding change: c.706A>T on transcript NM_014339.7 (MANE Select); coding-DNA position 706, A replaced by T.
Protein change: p.Ser236Cys; replaces serine 236 with cysteine.
Molecular consequence: missense variant.
Genome position (GRCh38, 1-based): chr22:17,102,246, A>T. VCF-style: chr22-17102246-A-T. GRCh37 (hg19) VCF-style: chr22-17583136-A-T.
Other names: c.706A>T, p.Ser236Cys (NM_001289905.2); short protein forms S236C.
Identifiers: ClinVar variation 840184 (VCV000840184.7), dbSNP rs374891419, ClinGen allele CA10086457.
Genomic context (GRCh38, chr22:17,102,246, plus strand): 5'-CAGCTGCGTGTGAGCTTCACCCTGTGGAACGAATCTACCCATTACCAGATCCTGCTGACC[A>T]GTTTTCCGCACATGGAGAACCACAGTTGCTTTGAGCACATGCACCACATACCTGCGGTAA-3'
Protein context (NP_055154.3, residues 226-246): ESTHYQILLT[Ser236Cys]FPHMENHSCF

ClinVar aggregate classification (germline): Uncertain significance (1 of 4 stars; one submission).

Conditions:
Immunodeficiency 51 (IMD51). Also called: CANDIDIASIS, FAMILIAL, 5. Identifiers: Orphanet 1334, MedGen C4310803, MONDO:0013500, OMIM 613953.

Allele frequency attached by ClinVar (database versions not stated): gnomAD exomes below 0.00001; ExAC 0.00001; gnomAD 0.00002; TOPMed 0.00002; ESP Exome Variant Server 0.00008.
gnomAD v4.1: 4 of 1,614,028 alleles (0.00025%); highest among the groups gnomAD compares: African/African-American, 0.0013%; no homozygotes.

Submission:

Labcorp Genetics (formerly Invitae), Labcorp
Classification: Uncertain significance for Immunodeficiency 51. Last evaluated: 2021-09-01. Review status: criteria provided, single submitter. Criteria: Invitae Variant Classification Sherloc (09022015). Collection method: clinical testing. Allele origin: germline.
Comment: This sequence change replaces serine with cysteine at codon 236 of the IL17RA protein (p.Ser236Cys). The serine residue is moderately conserved and there is a moderate physicochemical difference between serine and cysteine. This variant is present in population databases (rs374891419, ExAC 0.01%). This variant has not been reported in the literature in individuals affected with IL17RA-related conditions. Algorithms developed to predict the effect of missense changes on protein structure and function are either unavailable or do not agree on the potential impact of this missense change (SIFT: "Tolerated"; PolyPhen-2: "Probably Damaging"; Align-GVGD: "Class C0"). In summary, the available evidence is currently insufficient to determine the role of this variant in disease. Therefore, it has been classified as a Variant of Uncertain Significance.